The following is an entry in ClinVar:

ClinVar aggregate classification (germline): Uncertain significance (1 of 4 stars; one submission).

gnomAD v4.1: 1 of 1,614,064 alleles (0.000062%); highest among the groups gnomAD compares: Admixed American, 0.0017%; no homozygotes.

Submission:

Labcorp Genetics (formerly Invitae), Labcorp
Classification: Uncertain significance. Last evaluated: 2025-02-20. Review status: criteria provided, single submitter. Criteria: Invitae Variant Classification Sherloc (09022015). Collection method: clinical testing. Allele origin: germline.
Comment: This sequence change replaces alanine, which is neutral and non-polar, with glycine, which is neutral and non-polar, at codon 704 of the DSG1 protein (p.Ala704Gly). This variant is present in population databases (rs538892442, gnomAD 0.003%). This variant has not been reported in the literature in individuals affected with DSG1-related conditions. Invitae Evidence Modeling of protein sequence and biophysical properties (such as structural, functional, and spatial information, amino acid conservation, physicochemical variation, residue mobility, and thermodynamic stability) indicates that this missense variant is not expected to disrupt DSG1 protein function with a negative predictive value of 80%. In summary, the available evidence is currently insufficient to determine the role of this variant in disease. Therefore, it has been classified as a Variant of Uncertain Significance.

NM_001942.4(DSG1):c.2111C>G (p.Ala704Gly)

Genes: DSG1 (desmoglein 1; plus strand), DSG1-AS1 (DSG1 antisense RNA 1; minus strand), LOC126862720 (MED14-independent group 3 enhancer GRCh37_chr18:28933613-28934812; plus strand). Cytogenetic location: 18q12.1.
Variant type: single nucleotide variant.
Coding change: c.2111C>G on transcript NM_001942.4 (MANE Select); coding-DNA position 2111, C replaced by G.
Protein change: p.Ala704Gly; replaces alanine 704 with glycine.
Molecular consequence: missense variant.
Genome position (GRCh38, 1-based): chr18:31,354,307, C>G. VCF-style: chr18-31354307-C-G. GRCh37 (hg19) VCF-style: chr18-28934270-C-G.
Other names: short protein forms A704G.
Identifiers: ClinVar variation 4744289 (VCV004744289.1).